The following is an entry in ClinVar:

ClinVar aggregate classification (germline): Likely benign (1 of 4 stars; one submission).

Allele frequency attached by ClinVar (database versions not stated): TOPMed 0.00303; ExAC 0.00310; gnomAD 0.00310; ESP Exome Variant Server 0.00411; gnomAD exomes 0.00466; 1000 Genomes Project 0.00120; 1000 Genomes Project 30x 0.00125.
gnomAD v4.1: 7,207 of 1,613,736 alleles (0.45%); highest among the groups gnomAD compares: Non-Finnish European, 0.56%; 21 homozygotes.

Submission:

CeGaT Center for Human Genetics Tuebingen
Classification: Likely benign. Last evaluated: 2023-02-01. Review status: criteria provided, single submitter. Criteria: CeGaT Center For Human Genetics Tuebingen Variant Classification Criteria Version 2. Collection method: clinical testing. Allele origin: germline. Affected: yes. Observed: 1 variant allele.
Comment: TENM2: PP2, BS2

NM_001395460.1(TENM2):c.5368A>G (p.Ser1790Gly)

Gene: TENM2 (teneurin transmembrane protein 2; plus strand). Cytogenetic location: 5q34.
Variant type: single nucleotide variant.
Coding change: c.5368A>G on transcript NM_001395460.1 (MANE Select); coding-DNA position 5368, A replaced by G.
Protein change: p.Ser1790Gly; replaces serine 1790 with glycine.
Molecular consequence: missense variant.
Genome position (GRCh38, 1-based): chr5:168,227,978, A>G. VCF-style: chr5-168227978-A-G. GRCh37 (hg19) VCF-style: chr5-167654983-A-G.
Other names: c.4651A>G, p.Ser1551Gly (NM_001080428.3); c.5341A>G, p.Ser1781Gly (NM_001122679.2); c.4891A>G, p.Ser1631Gly (NM_001368145.1); c.4885A>G, p.Ser1629Gly (NM_001368146.1); short protein forms S1551G, S1629G, S1631G, S1781G, S1790G.
Identifiers: ClinVar variation 2656030 (VCV002656030.24), dbSNP rs139130485, ClinGen allele CA3547742.